The following is an entry in ClinVar:

NM_002473.6(MYH9):c.1096C>T (p.Pro366Ser)

Gene: MYH9 (myosin heavy chain 9; minus strand). Cytogenetic location: 22q12.3.
Variant type: single nucleotide variant.
Coding change: c.1096C>T on transcript NM_002473.6 (MANE Select); coding-DNA position 1096, C replaced by T.
Protein change: p.Pro366Ser; replaces proline 366 with serine.
Molecular consequence: missense variant.
Genome position (GRCh38, 1-based): chr22:36,319,552, G>A on the plus strand (C>T on the coding strand, the complement: MYH9 is on the minus strand). VCF-style: chr22-36319552-G-A. GRCh37 (hg19) VCF-style: chr22-36715597-G-A.
Other names: short protein forms P366S.
Identifiers: ClinVar variation 1966477 (VCV001966477.5), dbSNP rs780120030, ClinGen allele CA10210391.

ClinVar aggregate classification (germline): Uncertain significance (1 of 4 stars; one submission).

Allele frequency attached by ClinVar (database versions not stated): ExAC 0.00002.
gnomAD v4.1: 12 of 1,614,136 alleles (0.00074%); highest among the groups gnomAD compares: South Asian, 0.012%; no homozygotes.

Submission:

Labcorp Genetics (formerly Invitae), Labcorp
Classification: Uncertain significance. Last evaluated: 2022-07-23. Review status: criteria provided, single submitter. Criteria: Invitae Variant Classification Sherloc (09022015). Collection method: clinical testing. Allele origin: germline.
Comment: In summary, the available evidence is currently insufficient to determine the role of this variant in disease. Therefore, it has been classified as a Variant of Uncertain Significance. Algorithms developed to predict the effect of missense changes on protein structure and function are either unavailable or do not agree on the potential impact of this missense change (SIFT: "Tolerated"; PolyPhen-2: "Probably Damaging"; Align-GVGD: "Class C0"). This variant has not been reported in the literature in individuals affected with MYH9-related conditions. This variant is present in population databases (rs780120030, gnomAD 0.01%). This sequence change replaces proline, which is neutral and non-polar, with serine, which is neutral and polar, at codon 366 of the MYH9 protein (p.Pro366Ser).